The following is an entry in ClinVar:

ClinVar aggregate classification (germline): Likely benign (1 of 4 stars; one submission).

Allele frequency attached by ClinVar (database versions not stated): gnomAD exomes below 0.00001.
gnomAD v4.1: 2 of 1,614,050 alleles (0.00012%); highest among the groups gnomAD compares: Non-Finnish European, 0.00017%; no homozygotes.

Submission:

CeGaT Center for Human Genetics Tuebingen
Classification: Likely benign. Last evaluated: 2022-05-01. Review status: criteria provided, single submitter. Criteria: CeGaT Center For Human Genetics Tuebingen Variant Classification Criteria Version 2. Collection method: clinical testing. Allele origin: germline. Affected: yes. Observed: 1 variant allele.
Comment: GEMIN5: PM2:Supporting, BP4, BP7

NM_015465.5(GEMIN5):c.4428C>G (p.Gly1476=)

Gene: GEMIN5 (gem nuclear organelle associated protein 5; minus strand). Cytogenetic location: 5q33.2.
Variant type: single nucleotide variant.
Coding change: c.4428C>G on transcript NM_015465.5 (MANE Select); coding-DNA position 4428, C replaced by G.
Protein change: p.Gly1476=; no amino-acid change (glycine 1476 retained).
Molecular consequence: synonymous variant.
Genome position (GRCh38, 1-based): chr5:154,888,309, G>C on the plus strand (C>G on the coding strand, the complement: GEMIN5 is on the minus strand). VCF-style: chr5-154888309-G-C. GRCh37 (hg19) VCF-style: chr5-154267869-G-C.
Other names: c.4425C>G, p.Gly1475= (NM_001252156.2).
Identifiers: ClinVar variation 2655976 (VCV002655976.24), dbSNP rs2481028634, ClinGen allele CA447241730.